The following is an entry in ClinVar:

NM_000465.4(BARD1):c.2316G>A (p.Leu772=)

Gene: BARD1 (BRCA1 associated RING domain 1; minus strand). Cytogenetic location: 2q35.
Variant type: single nucleotide variant.
Coding change: c.2316G>A on transcript NM_000465.4 (MANE Select); coding-DNA position 2316, G replaced by A.
Protein change: p.Leu772=; no amino-acid change (leucine 772 retained).
Molecular consequence: synonymous variant. On other transcripts: non-coding transcript variant (3).
Genome position (GRCh38, 1-based): chr2:214,728,694, C>T on the plus strand (G>A on the coding strand, the complement: BARD1 is on the minus strand). VCF-style: chr2-214728694-C-T. GRCh37 (hg19) VCF-style: chr2-215593418-C-T.
Other names: c.2259G>A, p.Leu753= (NM_001282543.2); c.963G>A, p.Leu321= (NM_001282545.2); c.906G>A, p.Leu302= (NM_001282548.2); c.777G>A, p.Leu259= (NM_001282549.2).
Identifiers: ClinVar variation 530225 (VCV000530225.13), dbSNP rs1266259366, ClinGen allele CA431392407.
Genomic context (GRCh38, chr2:214,728,694, plus strand): 5'-AACCGTGCAAATTCAATTTGAAATGTTCATCTGGTATAATATTCAGCTGTCAAGAGGAAG[C>T]AACTCAAAGGACATCACACAGTCTATAAACCAGCTCGAAGGAGCCTTCCAGACTTTGCCC-3'
Protein context (NP_000456.2, residues 762-777): WFIDCVMSFE[Leu772=]LPLDS

ClinVar aggregate classification (germline): Benign/Likely benign. Review status: criteria provided, multiple submitters, no conflicts (2 of 4 stars). 5 submissions from 5 submitters: Benign (1); Likely benign (4). Last evaluated 2024-07-30.

Conditions:
Hereditary cancer-predisposing syndrome. Also called: Hereditary neoplastic syndrome; Neoplastic Syndromes, Hereditary; Hereditary Cancer Syndrome; Tumor predisposition. Identifiers: Orphanet 140162, MedGen C0027672, MeSH D009386, MONDO:0015356.
Familial cancer of breast. Also called: BREAST CANCER, FAMILIAL; Hereditary breast cancer; hereditary breast carcinoma. Identifiers: Orphanet 227535, MedGen C0346153, MONDO:0016419, OMIM 114480. Disease mechanism: loss of function.

Allele frequency attached by ClinVar (database versions not stated): gnomAD exomes below 0.00001 and 0.00001.
gnomAD v4.1: 9 of 1,614,142 alleles (0.00056%); highest among the groups gnomAD compares: Non-Finnish European, 0.00076%; no homozygotes.

Submissions (5):

Myriad Genetics, Inc.
Classification: Benign for Familial cancer of breast. Last evaluated: 2024-07-30. Review status: criteria provided, single submitter. Criteria: Myriad Autosomal Dominant, Autosomal Recessive and X-Linked Classification Criteria (2023). Collection method: clinical testing. Allele origin: unknown.
Comment: This variant is considered benign. This variant is a silent/synonymous amino acid change and it is not expected to impact splicing.

Labcorp Genetics (formerly Invitae), Labcorp
Classification: Likely benign for Familial cancer of breast. Last evaluated: 2024-04-06. Review status: criteria provided, single submitter. Criteria: Invitae Variant Classification Sherloc (09022015). Collection method: clinical testing. Allele origin: germline.

Ambry Genetics
Classification: Likely benign for Hereditary cancer-predisposing syndrome. Last evaluated: 2023-05-27. Review status: criteria provided, single submitter. Criteria: Ambry Variant Classification Scheme 2023. Collection method: clinical testing. Allele origin: germline.

Color Diagnostics, LLC DBA Color Health
Classification: Likely benign for Hereditary cancer-predisposing syndrome. Last evaluated: 2022-01-26. Review status: criteria provided, single submitter. Criteria: ACMG Guidelines, 2015. Collection method: clinical testing. Allele origin: germline.

Sema4
Classification: Likely benign for Hereditary cancer-predisposing syndrome. Last evaluated: 2021-04-30. Review status: criteria provided, single submitter. Criteria: Sema4 Curation Guidelines. Collection method: curation. Allele origin: germline.